The following is an entry in ClinVar:

ClinVar aggregate classification (germline): Uncertain significance (1 of 4 stars; one submission).

Conditions:
Spastic paraplegia. Identifiers: MedGen C0037772, HP:0001258.

Allele frequency attached by ClinVar (database versions not stated): gnomAD 0.00002 and 0.00003; gnomAD exomes 0.00002 and 0.00007; TOPMed 0.00003; ExAC 0.00005; 1000 Genomes Project 30x 0.00016; 1000 Genomes Project 0.00020.
gnomAD v4.1: 39 of 1,561,580 alleles (0.0025%); highest among the groups gnomAD compares: East Asian, 0.069%; no homozygotes.

Submission:

Labcorp Genetics (formerly Invitae), Labcorp
Classification: Uncertain significance for Spastic paraplegia. Last evaluated: 2024-12-09. Review status: criteria provided, single submitter. Criteria: Invitae Variant Classification Sherloc (09022015). Collection method: clinical testing. Allele origin: germline.
Comment: This sequence change replaces phenylalanine, which is neutral and non-polar, with cysteine, which is neutral and slightly polar, at codon 265 of the FA2H protein (p.Phe265Cys). This variant is present in population databases (rs149133141, gnomAD 0.08%). This variant has not been reported in the literature in individuals affected with FA2H-related conditions. ClinVar contains an entry for this variant (Variation ID: 1355795). Invitae Evidence Modeling of protein sequence and biophysical properties (such as structural, functional, and spatial information, amino acid conservation, physicochemical variation, residue mobility, and thermodynamic stability) indicates that this missense variant is not expected to disrupt FA2H protein function with a negative predictive value of 80%. In summary, the available evidence is currently insufficient to determine the role of this variant in disease. Therefore, it has been classified as a Variant of Uncertain Significance.

NM_024306.5(FA2H):c.794T>G (p.Phe265Cys)

Gene: FA2H (fatty acid 2-hydroxylase; minus strand). Cytogenetic location: 16q23.1.
Variant type: single nucleotide variant.
Coding change: c.794T>G on transcript NM_024306.5 (MANE Select); coding-DNA position 794, T replaced by G.
Protein change: p.Phe265Cys; replaces phenylalanine 265 with cysteine.
Molecular consequence: missense variant.
Genome position (GRCh38, 1-based): chr16:74,716,592, A>C on the plus strand (T>G on the coding strand, the complement: FA2H is on the minus strand). VCF-style: chr16-74716592-A-C. GRCh37 (hg19) VCF-style: chr16-74750490-A-C.
Other names: short protein forms F265C.
Identifiers: ClinVar variation 1355795 (VCV001355795.5), dbSNP rs149133141, ClinGen allele CA8170381.
Genomic context (GRCh38, chr16:74,716,592, plus strand): 5'-TAGAAGACGCCGATCACCAGGGAGGCTGGCACAGGGGGGAAGACCAGGCGGGAGCCGTCG[A>C]AGGGTGCCTGCAGATGGAGAGGCTTGGGCATCAGGAGGCAGCCAGGGGCCCCGGCAGCTG-3'
Protein context (NP_077282.3, residues 255-275): VMHGQHHKAP[Phe265Cys]DGSRLVFPPV